The following is an entry in ClinVar:

ClinVar aggregate classification (germline): Uncertain significance (1 of 4 stars; one submission).

Allele frequency attached by ClinVar (database versions not stated): ExAC 0.00001; gnomAD exomes 0.00001; TOPMed 0.00002; gnomAD 0.00004.
gnomAD v4.1: 14 of 1,209,178 alleles (0.0012%); highest among the groups gnomAD compares: African/African-American, 0.007%; no homozygotes.

Submission:

Labcorp Genetics (formerly Invitae), Labcorp
Classification: Uncertain significance. Last evaluated: 2025-04-14. Review status: criteria provided, single submitter. Criteria: Invitae Variant Classification Sherloc (09022015). Collection method: clinical testing. Allele origin: germline.
Comment: This sequence change replaces arginine, which is basic and polar, with cysteine, which is neutral and slightly polar, at codon 1423 of the NEXMIF protein (p.Arg1423Cys). This variant is present in population databases (rs200322426, gnomAD 0.008%). This variant has not been reported in the literature in individuals affected with NEXMIF-related conditions. ClinVar contains an entry for this variant (Variation ID: 1389964). An algorithm developed to predict the effect of missense changes on protein structure and function outputs the following: PolyPhen-2: "Benign". The cysteine amino acid residue is found in multiple mammalian species, which suggests that this missense change does not adversely affect protein function. In summary, the available evidence is currently insufficient to determine the role of this variant in disease. Therefore, it has been classified as a Variant of Uncertain Significance.

NM_001008537.3(NEXMIF):c.4267C>T (p.Arg1423Cys)

Gene: NEXMIF (neurite extension and migration factor; minus strand). Cytogenetic location: Xq13.3.
Variant type: single nucleotide variant.
Coding change: c.4267C>T on transcript NM_001008537.3 (MANE Select); coding-DNA position 4267, C replaced by T.
Protein change: p.Arg1423Cys; replaces arginine 1423 with cysteine.
Molecular consequence: missense variant.
Genome position (GRCh38, 1-based): chrX:74,740,290, G>A on the plus strand (C>T on the coding strand, the complement: NEXMIF is on the minus strand). VCF-style: chrX-74740290-G-A. GRCh37 (hg19) VCF-style: chrX-73960125-G-A.
Other names: short protein forms R1423C.
Identifiers: ClinVar variation 1389964 (VCV001389964.6), dbSNP rs200322426, ClinGen allele CA10454854.